The following is an entry in ClinVar:

ClinVar aggregate classification (germline): Uncertain significance (1 of 4 stars; one submission).

Conditions:
Inborn genetic diseases. Identifiers: MedGen C0950123, MeSH D030342.

gnomAD v4.1: 3 of 1,560,146 alleles (0.00019%); highest among the groups gnomAD compares: Non-Finnish European, 0.00026%; no homozygotes.

Submission:

Ambry Genetics
Classification: Uncertain significance for Inborn genetic diseases. Last evaluated: 2025-01-06. Review status: criteria provided, single submitter. Criteria: Ambry Variant Classification Scheme 2023. Collection method: clinical testing. Allele origin: germline.
Comment: The p.P142T variant (also known as c.424C>A), located in coding exon 5 of the RECQL4 gene, results from a C to A substitution at nucleotide position 424. The proline at codon 142 is replaced by threonine, an amino acid with highly similar properties. This amino acid position is conserved. In addition, this alteration is predicted to be tolerated by in silico analysis. Based on the available evidence, the clinical significance of this variant remains unclear.

NM_004260.4(RECQL4):c.424C>A (p.Pro142Thr)

Gene: RECQL4 (RecQ like helicase 4; minus strand). Cytogenetic location: 8q24.3.
Variant type: single nucleotide variant.
Coding change: c.424C>A on transcript NM_004260.4 (MANE Select); coding-DNA position 424, C replaced by A.
Protein change: p.Pro142Thr; replaces proline 142 with threonine.
Molecular consequence: missense variant. On other transcripts: 5 prime UTR variant (13), non-coding transcript variant (3), intron variant (5).
Genome position (GRCh38, 1-based): chr8:144,516,695, G>T on the plus strand (C>A on the coding strand, the complement: RECQL4 is on the minus strand). VCF-style: chr8-144516695-G-T. GRCh37 (hg19) VCF-style: chr8-145742079-G-T.
Other names: c.424C>A, p.Pro142Thr (NM_001413017.1, NM_001413018.1, NM_001413019.1 and 4 more transcripts); c.-648C>A (NM_001413022.1, NM_001413023.1, NM_001413037.1 and 3 more transcripts); c.295C>A, p.Pro99Thr (NM_001413025.1); c.-710C>A (NM_001413027.1, NM_001413030.1, NM_001413031.1 and 1 more transcripts); c.-373C>A (NM_001413028.1); c.-552C>A (NM_001413034.1); c.-917C>A (NM_001413043.1); c.355-282C>A (NM_001413029.1); and 3 more; short protein forms P99T, P142T.
Identifiers: ClinVar variation 3787984 (VCV003787984.1).